The following is an entry in ClinVar:

NM_012418.4(FSCN2):c.481A>G (p.Met161Val)

Gene: FSCN2 (fascin actin-bundling protein 2, retinal; plus strand). Cytogenetic location: 17q25.3.
Variant type: single nucleotide variant.
Coding change: c.481A>G on transcript NM_012418.4 (MANE Select); coding-DNA position 481, A replaced by G.
Protein change: p.Met161Val; replaces methionine 161 with valine.
Molecular consequence: missense variant.
Genome position (GRCh38, 1-based): chr17:81,529,012, A>G. VCF-style: chr17-81529012-A-G. GRCh37 (hg19) VCF-style: chr17-79496038-A-G.
Other names: c.481A>G, p.Met161Val (NM_001077182.3); short protein forms M161V.
Identifiers: ClinVar variation 1486741 (VCV001486741.6), dbSNP rs2143849714, ClinGen allele CA401471204.

ClinVar aggregate classification (germline): Uncertain significance (1 of 4 stars; one submission).

Submission:

Labcorp Genetics (formerly Invitae), Labcorp
Classification: Uncertain significance. Last evaluated: 2025-01-06. Review status: criteria provided, single submitter. Criteria: Invitae Variant Classification Sherloc (09022015). Collection method: clinical testing. Allele origin: germline.
Comment: This sequence change replaces methionine, which is neutral and non-polar, with valine, which is neutral and non-polar, at codon 161 of the FSCN2 protein (p.Met161Val). This variant is not present in population databases (gnomAD no frequency). This variant has not been reported in the literature in individuals affected with FSCN2-related conditions. ClinVar contains an entry for this variant (Variation ID: 1486741). An algorithm developed to predict the effect of missense changes on protein structure and function (PolyPhen-2) suggests that this variant is likely to be tolerated. In summary, the available evidence is currently insufficient to determine the role of this variant in disease. Therefore, it has been classified as a Variant of Uncertain Significance.